The following is an entry in ClinVar:

ClinVar aggregate classification (germline): Uncertain significance (1 of 4 stars; one submission).

Conditions:
Dilated cardiomyopathy 1G (CMD1G). Identifiers: Orphanet 154, MedGen C1858763, MONDO:0011400, OMIM 604145.
Autosomal recessive limb-girdle muscular dystrophy type 2J (LGMDR10). Also called: Limb-girdle muscular dystrophy, type 2J; MUSCULAR DYSTROPHY, LIMB-GIRDLE, AUTOSOMAL RECESSIVE 10. Identifiers: Orphanet 140922, MedGen C1837342, MONDO:0012127, OMIM 608807.

Allele frequency attached by ClinVar (database versions not stated): gnomAD exomes below 0.00001; ExAC 0.00001; gnomAD 0.00001; TOPMed 0.00001.
gnomAD v4.1: 4 of 1,612,832 alleles (0.00025%); highest among the groups gnomAD compares: Middle Eastern, 0.049%; no homozygotes.

Submission:

Labcorp Genetics (formerly Invitae), Labcorp
Classification: Uncertain significance for Dilated cardiomyopathy 1G; Autosomal recessive limb-girdle muscular dystrophy type 2J. Last evaluated: 2023-10-09. Review status: criteria provided, single submitter. Criteria: Invitae Variant Classification Sherloc (09022015). Collection method: clinical testing. Allele origin: germline.
Comment: This sequence change falls in intron 318 of the TTN gene. It does not directly change the encoded amino acid sequence of the TTN protein. It affects a nucleotide within the consensus splice site. This variant is present in population databases (rs765587170, gnomAD 0.0009%). This variant has been observed in individual(s) with dilated cardiomyopathy (PMID: 22335739). ClinVar contains an entry for this variant (Variation ID: 1015079). Variants that disrupt the consensus splice site are a relatively common cause of aberrant splicing (PMID: 17576681, 9536098). Algorithms developed to predict the effect of sequence changes on RNA splicing suggest that this variant may disrupt the consensus splice site. This variant is located in the A band of TTN (PMID: 25589632). Variants in this region may be relevant for cardiac or neuromuscular disorders (PMID: 25589632, 23975875). In summary, the available evidence is currently insufficient to determine the role of this variant in disease. Therefore, it has been classified as a Variant of Uncertain Significance.

Literature cited by the submitters: PubMed 22335739; PubMed 17576681; PubMed 9536098; PubMed 25589632; PubMed 23975875.

NM_001267550.2(TTN):c.67348+5G>A

Genes: TTN-AS1 (TTN antisense RNA 1; plus strand), TTN (titin; minus strand). Cytogenetic location: 2q31.2.
Variant type: single nucleotide variant.
Coding change: c.67348+5G>A on transcript NM_001267550.2 (MANE Select); 5 bases into the intron after coding-DNA position 67348, G replaced by A.
Molecular consequence: intron variant.
Genome position (GRCh38, 1-based): chr2:178,579,934, C>T on the plus strand (G>A on the coding strand, the complement: TTN is on the minus strand). VCF-style: chr2-178579934-C-T. GRCh37 (hg19) VCF-style: chr2-179444661-C-T.
Other names: c.40153+5G>A (NM_003319.4); c.40729+5G>A (NM_133437.4); c.40528+5G>A (NM_133432.3); c.59644+5G>A (NM_133378.4); c.62425+5G>A (NM_001256850.1).
Identifiers: ClinVar variation 1015079 (VCV001015079.7), dbSNP rs765587170, ClinGen allele CA1991334.